The following is an entry in ClinVar:

ClinVar aggregate classification (germline): Pathogenic/Likely pathogenic. Review status: criteria provided, multiple submitters, no conflicts (2 of 4 stars). 3 submissions from 3 submitters: Pathogenic (2); Likely pathogenic (1). Last evaluated 2025-09-11.

Conditions:
Transient bullous dermolysis of the newborn (TBDN). Also called: EPIDERMOLYSIS BULLOSA DYSTROPHICA, NEONATAL FORM; DYSTROPHIC EPIDERMOLYSIS BULLOSA, NEONATAL. Identifiers: Orphanet 79411, MedGen C1851573, MONDO:0007548, OMIM 131705.
Recessive dystrophic epidermolysis bullosa (RDEB). Also called: Recessive DEB (RDEB); DYSTROPHIC EPIDERMOLYSIS BULLOSA, AUTOSOMAL RECESSIVE; EPIDERMOLYSIS BULLOSA DYSTROPHICA, HALLOPEAU-SIEMENS TYPE; Epidermolysis Bullosa Distrophica Autosomal Recessive (RDEB); Hallopeau-Siemens Disease; severe generalized recessive dystrophic epidermolysis bullosa. Identifiers: Orphanet 79408, Orphanet 79409, MedGen C0079474, MONDO:0009179, OMIM 226600.
Nonsyndromic congenital nail disorder 8. Also called: TOENAIL DYSTROPHY, ISOLATED. Identifiers: MedGen C1843761, MONDO:0011852, OMIM 607523.
Epidermolysis bullosa pruriginosa. Also called: DEB, PRURIGINOSA; DYSTROPHIC EPIDERMOLYSIS BULLOSA PRURIGINOSA. Identifiers: Orphanet 89843, MedGen C1275114, MONDO:0011398, OMIM 604129.
Pretibial dystrophic epidermolysis bullosa. Also called: EPIDERMOLYSIS BULLOSA DYSTROPHICA, PRETIBIAL; Pretibial epidermolysis bullosa; Pretibial blistering. Identifiers: Orphanet 79410, MedGen C0432321, MONDO:0007552, OMIM 131850, HP:0012221.
Dominant dystrophic epidermolysis bullosa with absence of skin. Also called: EPIDERMOLYSIS BULLOSA DYSTROPHICA, BART TYPE; EPIDERMOLYSIS BULLOSA WITH CONGENITAL LOCALIZED ABSENCE OF SKIN AND DEFORMITY OF NAILS. Identifiers: MedGen C0268371, MONDO:0007557, OMIM 132000.
Generalized dominant dystrophic epidermolysis bullosa (DDEB). Also called: Dominant DEB (DDEB); DDEB, generalized; DDEB-gen; DYSTROPHIC EPIDERMOLYSIS BULLOSA, AUTOSOMAL DOMINANT; Epidermolysis bullosa dystrophica, autosomal dominant. Identifiers: Orphanet 231568, MedGen C0432322, MONDO:0007549, OMIM 131750.
Epidermolysis bullosa dystrophica. Also called: Dystrophic epidermolysis bullosa, Hallopeau-Siemens type (formerly); Dystrophic epidermolysis bullosa. Identifiers: Orphanet 303, MedGen C0079294, MONDO:0006543.

Allele frequency attached by ClinVar (database versions not stated): gnomAD exomes below 0.00001; gnomAD 0.00001; TOPMed 0.00002.

Submissions (3):

Natera, Inc.
Classification: Pathogenic for Dystrophic epidermolysis bullosa. Last evaluated: 2025-09-11. Review status: criteria provided, single submitter. Criteria: Natera Variant Classification Schema (03/2026). Collection method: clinical testing. Allele origin: germline.
Comment: The c.565C>T variant in COL7A1 is a nonsense variant predicted to introduce a stop codon at amino acid 189. This variant is expected to result in nonsense mediated decay, truncation, or a dysfunctional protein product. This variant is rare in the general population with a frequency below the threshold expected for the associated phenotype(s). This variant has been observed in one or more individuals affected with the associated recessive disease, as either homozygous or compound heterozygous with a second variant (PMID: 27899325). Given the available evidence, this variant is classified as Pathogenic.

Labcorp Genetics (formerly Invitae), Labcorp
Classification: Pathogenic. Last evaluated: 2025-05-28. Review status: criteria provided, single submitter. Criteria: Invitae Variant Classification Sherloc (09022015). Collection method: clinical testing. Allele origin: germline.
Comment: This sequence change creates a premature translational stop signal (p.Gln189*) in the COL7A1 gene. It is expected to result in an absent or disrupted protein product. Loss-of-function variants in COL7A1 are known to be pathogenic (PMID: 16971478). This variant is present in population databases (no rsID available, gnomAD 0.007%). This premature translational stop signal has been observed in individual(s) with autosomal recessive dystrophic epidermolysis bullosa (PMID: 10504458). ClinVar contains an entry for this variant (Variation ID: 1070885). For these reasons, this variant has been classified as Pathogenic.

Fulgent Genetics
Classification: Likely pathogenic for Transient bullous dermolysis of the newborn; Generalized dominant dystrophic epidermolysis bullosa; Pretibial dystrophic epidermolysis bullosa; Dominant dystrophic epidermolysis bullosa with absence of skin; Recessive dystrophic epidermolysis bullosa; Epidermolysis bullosa pruriginosa; Nonsyndromic congenital nail disorder 8. Last evaluated: 2024-03-21. Review status: criteria provided, single submitter. Criteria: ACMG Guidelines, 2015. Collection method: clinical testing. Allele origin: germline.

Literature cited by the submitters: PubMed 27899325 (cited by Natera, Inc.); PubMed 16971478 (cited by Labcorp Genetics (formerly Invitae), Labcorp); PubMed 10504458 (cited by Labcorp Genetics (formerly Invitae), Labcorp).

NM_000094.4(COL7A1):c.565C>T (p.Gln189Ter)

Gene: COL7A1 (collagen type VII alpha 1 chain; minus strand). Cytogenetic location: 3p21.31.
Variant type: single nucleotide variant.
Coding change: c.565C>T on transcript NM_000094.4 (MANE Select); coding-DNA position 565, C replaced by T.
Protein change: p.Gln189Ter; replaces glutamine 189 with a stop codon.
Molecular consequence: nonsense.
Genome position (GRCh38, 1-based): chr3:48,593,219, G>A on the plus strand (C>T on the coding strand, the complement: COL7A1 is on the minus strand). VCF-style: chr3-48593219-G-A. GRCh37 (hg19) VCF-style: chr3-48630652-G-A.
Other names: c.565C>T (NM_000094.3); short protein forms Q189*.
Identifiers: ClinVar variation 1070885 (VCV001070885.9), dbSNP rs1486141784, ClinGen allele CA352743751.